The following is an entry in ClinVar:

ClinVar aggregate classification (germline): Uncertain significance (1 of 4 stars; one submission).

Conditions:
Developmental and epileptic encephalopathy, 27 (DEE27). Also called: GRIN2B-Related Neurodevelopmental Disorder; Epileptic encephalopathy, early infantile, 27. Identifiers: Orphanet 3451, MedGen C4015316, MONDO:0014505, OMIM 616139.
Intellectual developmental disorder, autosomal dominant 6, with or without seizures. Also called: Intellectual disability, autosomal dominant 6; GRIN2B-related developmental delay, intellectual disability and autism spectrum disorder. Identifiers: Orphanet 589547, MedGen C3151411, MONDO:0013509, OMIM 613970.

Submission:

Labcorp Genetics (formerly Invitae), Labcorp
Classification: Uncertain significance for Developmental and epileptic encephalopathy, 27; Intellectual developmental disorder, autosomal dominant 6, with or without seizures. Last evaluated: 2025-12-01. Review status: criteria provided, single submitter. Criteria: Invitae Variant Classification Sherloc (09022015). Collection method: clinical testing. Allele origin: germline.
Comment: This sequence change falls in intron 4 of the GRIN2B gene. It does not directly change the encoded amino acid sequence of the GRIN2B protein. Information on the frequency of this variant in the gnomAD database is not available, as this variant may be reported differently in the database. This variant has not been reported in the literature in individuals affected with GRIN2B-related conditions. ClinVar contains an entry for this variant (Variation ID: 2084130). Experimental studies and prediction algorithms are not available or were not evaluated, and the effect of this variant on mRNA splicing is currently unknown. In summary, the available evidence is currently insufficient to determine the role of this variant in disease. Therefore, it has been classified as a Variant of Uncertain Significance.

NM_000834.5(GRIN2B):c.1126-13_1126-12inv

Gene: GRIN2B (glutamate ionotropic receptor NMDA type subunit 2B; minus strand). Cytogenetic location: 12p13.1.
Variant type: Inversion.
Coding change: c.1126-13_1126-12inv on transcript NM_000834.5 (MANE Select).
Molecular consequence: intron variant.
Genome position: GRCh38 VCF-style: chr12-13616669-TG-CA. GRCh37 (hg19) VCF-style: chr12-13769603-TG-CA.
Identifiers: ClinVar variation 2084130 (VCV002084130.4), ClinGen allele CA2580085178.